The following is an entry in ClinVar:

NM_006158.5(NEFL):c.33G>A (p.Ser11=)

Gene: NEFL (neurofilament light chain; minus strand). Cytogenetic location: 8p21.2.
Variant type: single nucleotide variant.
Coding change: c.33G>A on transcript NM_006158.5 (MANE Select); coding-DNA position 33, G replaced by A.
Protein change: p.Ser11=; no amino-acid change (serine 11 retained).
Molecular consequence: synonymous variant.
Genome position (GRCh38, 1-based): chr8:24,956,483, C>T on the plus strand (G>A on the coding strand, the complement: NEFL is on the minus strand). VCF-style: chr8-24956483-C-T. GRCh37 (hg19) VCF-style: chr8-24813997-C-T.
Identifiers: ClinVar variation 3778176 (VCV003778176.8).
Genomic context (GRCh38, chr8:24,956,483, plus strand): 5'-GCTGCGCACGCTGGAGATGTGCACCCGGGGCGTCTCCACGTAGCGCCGCTTGTAGGAGGT[C>T]GAGTAGTACGGCTCGTAGCTGAAGGAACTCATGGTGGCGGCCGGTGGCTCCCCGGCCCGC-3'
Protein context (NP_006149.2, residues 1-21): MSSFSYEPYY[Ser11=]TSYKRRYVET

ClinVar aggregate classification (germline): Likely benign. Review status: criteria provided, multiple submitters, no conflicts (2 of 4 stars). 2 submissions from 2 submitters: Likely benign (2). Last evaluated 2025-07-16.

Conditions:
Charcot-Marie-Tooth disease type 2E (CMT2E). Also called: CHARCOT-MARIE-TOOTH DISEASE, AXONAL, TYPE 2E; CHARCOT-MARIE-TOOTH NEUROPATHY, TYPE 2E. Identifiers: Orphanet 99939, MedGen C1843225, MONDO:0011894, OMIM 607684.

gnomAD v4.1: 45 of 1,603,426 alleles (0.0028%); highest among the groups gnomAD compares: South Asian, 0.05%; 1 homozygote.

Submissions (2):

Labcorp Genetics (formerly Invitae), Labcorp
Classification: Likely benign for Charcot-Marie-Tooth disease type 2E. Last evaluated: 2025-07-16. Review status: criteria provided, single submitter. Criteria: Invitae Variant Classification Sherloc (09022015). Collection method: clinical testing. Allele origin: germline.

CeGaT Center for Human Genetics Tuebingen
Classification: Likely benign. Last evaluated: 2025-03-01. Review status: criteria provided, single submitter. Criteria: CeGaT Center For Human Genetics Tuebingen Variant Classification Criteria Version 2. Collection method: clinical testing. Allele origin: germline. Affected: yes. Observed: 1 variant allele.
Comment: NEFL: BP4, BP7